The following is an entry in ClinVar:

NM_007373.4(SHOC2):c.370C>A (p.Gln124Lys)

Gene: SHOC2 (SHOC2 leucine rich repeat scaffold protein; plus strand). Cytogenetic location: 10q25.2.
Variant type: single nucleotide variant.
Coding change: c.370C>A on transcript NM_007373.4 (MANE Select); coding-DNA position 370, C replaced by A.
Protein change: p.Gln124Lys; replaces glutamine 124 with lysine.
Molecular consequence: missense variant.
Genome position (GRCh38, 1-based): chr10:110,964,728, C>A. VCF-style: chr10-110964728-C-A. GRCh37 (hg19) VCF-style: chr10-112724486-C-A.
Other names: c.370C>A, p.Gln124Lys (NM_001269039.3, NM_001324336.2, NM_001324337.2); short protein forms Q124K.
Identifiers: ClinVar variation 1734179 (VCV001734179.2), dbSNP rs2493839418, ClinGen allele CA378384666.
Genomic context (GRCh38, chr10:110,964,728, plus strand): 5'-CGTTTGGACTTATCCAAGAGATCTATACACATATTGCCATCATCAATCAAAGAGTTGACT[C>A]AATTAACAGAACTTTATTTATACAGTAACAAATTGCAGTCCCTCCCAGCAGAGGTGGGAT-3'
Protein context (NP_031399.2, residues 114-134): ILPSSIKELT[Gln124Lys]LTELYLYSNK

ClinVar aggregate classification (germline): Uncertain significance (1 of 4 stars; one submission).

Conditions:
Cardiovascular phenotype. Identifiers: MedGen CN230736.

Submission:

Ambry Genetics
Classification: Uncertain significance for Cardiovascular phenotype. Last evaluated: 2022-09-12. Review status: criteria provided, single submitter. Criteria: Ambry Variant Classification Scheme 2023. Collection method: clinical testing. Allele origin: germline.
Comment: The p.Q124K variant (also known as c.370C>A), located in coding exon 1 of the SHOC2 gene, results from a C to A substitution at nucleotide position 370. The glutamine at codon 124 is replaced by lysine, an amino acid with similar properties. This amino acid position is conserved. In addition, this alteration is predicted to be deleterious by in silico analysis. Since supporting evidence is limited at this time, the clinical significance of this alteration remains unclear.